The following is an entry in ClinVar:

ClinVar aggregate classification (germline): Uncertain significance (1 of 4 stars; one submission).

Conditions:
Gamma-aminobutyric acid transaminase deficiency (GABATD). Also called: GABA transaminase deficiency; Gamma aminobutyrate transaminase deficiency; 4 alpha aminobutyrate transaminase deficiency; GABA aminotransaminase deficiency. Identifiers: Orphanet 2066, MedGen C0342708, MONDO:0013166, OMIM 613163.

Submission:

Labcorp Genetics (formerly Invitae), Labcorp
Classification: Uncertain significance for Gamma-aminobutyric acid transaminase deficiency. Last evaluated: 2018-08-11. Review status: criteria provided, single submitter. Criteria: Invitae Variant Classification Sherloc (09022015). Collection method: clinical testing. Allele origin: germline.
Comment: This variant is not present in population databases (ExAC no frequency). Algorithms developed to predict the effect of missense changes on protein structure and function are either unavailable or do not agree on the potential impact of this missense change (SIFT: "Deleterious"; PolyPhen-2: "Benign"; Align-GVGD: "Class C0"). This variant has not been reported in the literature in individuals with ABAT-related disease. This sequence change replaces serine with threonine at codon 471 of the ABAT protein (p.Ser471Thr). The serine residue is moderately conserved and there is a small physicochemical difference between serine and threonine. In summary, the available evidence is currently insufficient to determine the role of this variant in disease. Therefore, it has been classified as a Variant of Uncertain Significance.

NM_020686.6(ABAT):c.1410_1411delinsGA (p.Ser471Thr)

Gene: ABAT (4-aminobutyrate aminotransferase; plus strand). Cytogenetic location: 16p13.2.
Variant type: Indel.
Coding change: c.1410_1411delinsGA on transcript NM_020686.6 (MANE Select); coding-DNA positions 1410 to 1411, AT replaced by GA.
Protein change: p.Ser471Thr; replaces serine 471 with threonine.
Molecular consequence: missense variant.
Genome position (GRCh38, 1-based): chr16:8,781,337-8,781,338, AT replaced by GA. VCF-style: chr16-8781337-AT-GA. GRCh37 (hg19) VCF-style: chr16-8875194-AT-GA.
Other names: c.1275_1276delinsGA, p.Ser426Thr (NM_001386610.1, NM_001386611.1); c.1212_1213delinsGA, p.Ser405Thr (NM_001386612.1, NM_001386613.1); c.1164_1165delinsGA, p.Ser389Thr (NM_001386614.1); c.1506_1507delinsGA, p.Ser503Thr (NM_001386615.1); c.1469_1470delinsGA, p.Asn490Arg (NM_001386616.1); c.1410_1411delinsGA, p.Ser471Thr (NM_000663.5, NM_001127448.2, NM_001386600.1 and 4 more transcripts); c.1371_1372delinsGA, p.Ser458Thr (NM_001386605.1); c.1347_1348delinsGA, p.Ser450Thr (NM_001386606.1, NM_001386607.1); and 2 more; short protein forms S471T, N433R, N490R, S389T, S405T, S426T, S440T, S450T.
Identifiers: ClinVar variation 656967 (VCV000656967.7), dbSNP rs1596475613, ClinGen allele CA915949112.